The following is an entry in ClinVar:

ClinVar aggregate classification (germline): Conflicting classifications of pathogenicity. Review status: criteria provided, conflicting classifications (1 of 4 stars). 3 submissions from 3 submitters: Likely pathogenic (1); Uncertain significance (2). Last evaluated 2026-06-01.

Conditions:
NTRK2-related disorder. Also called: NTRK2-related condition.
Obesity, hyperphagia, and developmental delay (OBHD). Identifiers: Orphanet 99704, MedGen C3151303, MONDO:0013483, OMIM 613886.

Submissions (3):

PreventionGenetics, part of Exact Sciences
Classification: Uncertain significance for NTRK2-related condition. Last evaluated: 2026-06-01. Review status: criteria provided, single submitter. Criteria: ACMG Guidelines, 2015. Collection method: clinical testing. Allele origin: germline.
Comment: The NTRK2 c.1651C>T variant is predicted to result in premature protein termination (p.Arg551*). To our knowledge, this variant has not been reported in the literature or in a large population database (gnomAD), indicating this variant is rare. A recent study has suggested that truncating variants may lead to a milder disorder than variants that cause an upregulation of NTRK2 activity (Berger et al. 2024. PubMed ID: 39540377); however, conclusive evidence supporting loss of function as a mechanism of disease for NTRK2-related disorders is still provisional. Although we suspect that this variant may be pathogenic, at this time, the clinical significance of this variant is uncertain due to the absence of conclusive functional and genetic evidence.

3billion
Classification: Uncertain significance for Obesity, hyperphagia, and developmental delay. Last evaluated: 2025-01-30. Review status: criteria provided, single submitter. Criteria: ACMG Guidelines, 2015. Collection method: clinical testing. Allele origin: germline. Affected: yes.
Comment: The variant is not observed in the gnomAD v4.1.0 dataset. Predicted Consequence/Location: Stop-gained (nonsense) variant The variant has been reported to be associated with NTRK2-related disorder (ClinVar ID: VCV003068731). However, the evidence of pathogenicity is insufficient at this time. Therefore, this variant is classified as VUS according to the recommendation of ACMG/AMP guideline.

Institute of Human Genetics, University of Leipzig Medical Center
Classification: Likely pathogenic for Obesity, hyperphagia, and developmental delay. Last evaluated: 2024-02-13. Review status: criteria provided, single submitter. Criteria: ACMG Guidelines, 2015. Collection method: clinical testing. Allele origin: unknown. Inheritance: Autosomal dominant inheritance. Affected: yes. Observed: 1 variant allele.
Comment: Criteria applied: PS4, PM2_Sup, PP2, PP3

NM_006180.6(NTRK2):c.1651C>T (p.Arg551Ter)

Gene: NTRK2 (neurotrophic receptor tyrosine kinase 2; plus strand). Cytogenetic location: 9q21.33.
Variant type: single nucleotide variant.
Coding change: c.1651C>T on transcript NM_006180.6 (MANE Select); coding-DNA position 1651, C replaced by T.
Protein change: p.Arg551Ter; replaces arginine 551 with a stop codon.
Molecular consequence: nonsense.
Genome position (GRCh38, 1-based): chr9:84,934,179, C>T. VCF-style: chr9-84934179-C-T. GRCh37 (hg19) VCF-style: chr9-87549094-C-T.
Other names: c.1603C>T, p.Arg535Ter (NM_001018064.3, NM_001369532.1, NM_001369533.1); c.1567C>T, p.Arg523Ter (NM_001369534.1); c.1135C>T, p.Arg379Ter (NM_001369535.1); c.1183C>T, p.Arg395Ter (NM_001369536.1); c.1651C>T, p.Arg551Ter (NM_001381928.1); c.1651C>T (NM_006180.4); short protein forms R379*, R395*, R523*, R535*, R551*.
Identifiers: ClinVar variation 3068731 (VCV003068731.3), dbSNP rs2132718410, ClinGen allele CA374006259.